The following is an entry in ClinVar:

ClinVar aggregate classification (germline): Pathogenic (1 of 4 stars; one submission).

Conditions:
Glycogen storage disease, type II (IOPD). Also called: POMPE DISEASE, INFANTILE-ONSET; GLYCOGEN STORAGE DISEASE II, INFANTILE-ONSET; ACID ALPHA-GLUCOSIDASE DEFICIENCY, INFANTILE-ONSET; GAA DEFICIENCY, INFANTILE-ONSET; ACID MALTASE DEFICIENCY, INFANTILE-ONSET; Glucosidase acid-1,4-alpha deficiency. Identifiers: Orphanet 365, MedGen C0017921, MONDO:0009290, OMIM 232300.

Submission:

Labcorp Genetics (formerly Invitae), Labcorp
Classification: Pathogenic for Glycogen storage disease, type II. Last evaluated: 2025-05-01. Review status: criteria provided, single submitter. Criteria: Invitae Variant Classification Sherloc (09022015). Collection method: clinical testing. Allele origin: germline.
Comment: This sequence change creates a premature translational stop signal (p.Arg229Profs*101) in the GAA gene. It is expected to result in an absent or disrupted protein product. Loss-of-function variants in GAA are known to be pathogenic (PMID: 18425781, 22252923). This variant is not present in population databases (gnomAD no frequency). This variant has not been reported in the literature in individuals affected with GAA-related conditions. ClinVar contains an entry for this variant (Variation ID: 1072806). For these reasons, this variant has been classified as Pathogenic.

Literature cited by the submitters: PubMed 18425781; PubMed 22252923.

NM_000152.5(GAA):c.683dup (p.Arg229fs)

Gene: GAA (alpha glucosidase; plus strand). Cytogenetic location: 17q25.3.
Variant type: Duplication.
Coding change: c.683dup on transcript NM_000152.5 (MANE Select); coding-DNA position 683, one base duplicated (G; older notation c.683dupG).
Protein change: p.Arg229fs; shifts the reading frame from arginine 229.
Molecular consequence: frameshift variant.
Genome position (GRCh38, 1-based): chr17:80,105,885, G duplicated; the last of 2 consecutive G bases (chr17:80,105,884-80,105,885); duplicating either gives the same sequence. VCF-style (leftmost placement, unchanged base first): chr17-80105883-C-CG. GRCh37 (hg19) VCF-style: chr17-78079682-C-CG.
Other names: c.683dup, p.Arg229fs (NM_001079803.3, NM_001079804.3); short protein forms R229fs.
Identifiers: ClinVar variation 1072806 (VCV001072806.7), dbSNP rs2143834983, ClinGen allele CA2499225000.